The following is an entry in ClinVar:

NM_017654.4(SAMD9):c.419T>C (p.Val140Ala)

Gene: SAMD9 (sterile alpha motif domain containing 9; minus strand). Cytogenetic location: 7q21.2.
Variant type: single nucleotide variant.
Coding change: c.419T>C on transcript NM_017654.4 (MANE Select); coding-DNA position 419, T replaced by C.
Protein change: p.Val140Ala; replaces valine 140 with alanine.
Molecular consequence: missense variant.
Genome position (GRCh38, 1-based): chr7:93,105,679, A>G on the plus strand (T>C on the coding strand, the complement: SAMD9 is on the minus strand). VCF-style: chr7-93105679-A-G. GRCh37 (hg19) VCF-style: chr7-92734992-A-G.
Other names: c.419T>C, p.Val140Ala (NM_001193307.2); short protein forms V140A.
Identifiers: ClinVar variation 3792045 (VCV003792045.1).

ClinVar aggregate classification (germline): Uncertain significance (1 of 4 stars; one submission).

Conditions:
Inborn genetic diseases. Identifiers: MedGen C0950123, MeSH D030342.

Submission:

Ambry Genetics
Classification: Uncertain significance for Inborn genetic diseases. Last evaluated: 2025-02-03. Review status: criteria provided, single submitter. Criteria: Ambry Variant Classification Scheme 2023. Collection method: clinical testing. Allele origin: germline.
Comment: The p.V140A variant (also known as c.419T>C), located in coding exon 1 of the SAMD9 gene, results from a T to C substitution at nucleotide position 419. The valine at codon 140 is replaced by alanine, an amino acid with similar properties. This amino acid position is conserved. In addition, this alteration is predicted to be tolerated by in silico analysis. Based on the available evidence, the clinical significance of this variant remains unclear.